The following is an entry in ClinVar:

NM_001165963.4(SCN1A):c.5270G>A (p.Gly1757Glu)

Genes: SCN1A (sodium voltage-gated channel alpha subunit 1; minus strand), LOC102724058 (uncharacterized LOC102724058; plus strand). Cytogenetic location: 2q24.3.
Variant type: single nucleotide variant.
Coding change: c.5270G>A on transcript NM_001165963.4 (MANE Select); coding-DNA position 5270, G replaced by A.
Protein change: p.Gly1757Glu; replaces glycine 1757 with glutamic acid.
Molecular consequence: missense variant. On other transcripts: non-coding transcript variant (1).
Genome position (GRCh38, 1-based): chr2:165,992,005, C>T on the plus strand (G>A on the coding strand, the complement: SCN1A is on the minus strand). VCF-style: chr2-165992005-C-T. GRCh37 (hg19) VCF-style: chr2-166848515-C-T.
Other names: c.5186G>A, p.Gly1729Glu (NM_001165964.3, NM_001353957.2, NM_001353958.2); c.5270G>A, p.Gly1757Glu (NM_001202435.3, NM_001353948.2); c.5237G>A, p.Gly1746Glu (NM_001353949.2, NM_001353950.2, NM_001353951.2 and 2 more transcripts); c.5234G>A, p.Gly1745Glu (NM_001353954.2, NM_001353955.2); c.5183G>A, p.Gly1728Glu (NM_001353960.2); c.2828G>A, p.Gly943Glu (NM_001353961.2); short protein forms G1746E, G1757E, G1728E, G1745E, G1729E, G943E.
Identifiers: ClinVar variation 427057 (VCV000427057.6), dbSNP rs1085307930, ClinGen allele CA349068318.

ClinVar aggregate classification (germline): Pathogenic/Likely pathogenic. Review status: criteria provided, multiple submitters, no conflicts (2 of 4 stars). 2 submissions from 2 submitters: Pathogenic (1); Likely pathogenic (1). Last evaluated 2022-03-15.

Conditions:
Early-infantile DEE. Also called: Early infantile epileptic encephalopathy; Ohtahara syndrome; Early infantile epileptic encephalopathy with suppression bursts. Identifiers: Orphanet 1934, MedGen C0393706, MONDO:0800491.

Submissions (2):

Labcorp Genetics (formerly Invitae), Labcorp
Classification: Pathogenic for Early-infantile DEE. Last evaluated: 2022-03-15. Review status: criteria provided, single submitter. Criteria: Invitae Variant Classification Sherloc (09022015). Collection method: clinical testing. Allele origin: germline.
Comment: For these reasons, this variant has been classified as Pathogenic. This variant disrupts the p.Gly1757 amino acid residue in SCN1A. Other variant(s) that disrupt this residue have been determined to be pathogenic (PMID: 27781031). This suggests that this residue is clinically significant, and that variants that disrupt this residue are likely to be disease-causing. Advanced modeling of protein sequence and biophysical properties (such as structural, functional, and spatial information, amino acid conservation, physicochemical variation, residue mobility, and thermodynamic stability) performed at Invitae indicates that this missense variant is expected to disrupt SCN1A protein function. ClinVar contains an entry for this variant (Variation ID: 427057). This missense change has been observed in individual(s) with Dravet syndrome (Invitae). This variant is not present in population databases (gnomAD no frequency). This sequence change replaces glycine, which is neutral and non-polar, with glutamic acid, which is acidic and polar, at codon 1757 of the SCN1A protein (p.Gly1757Glu).

GeneDx
Classification: Likely pathogenic. Last evaluated: 2018-02-26. Review status: criteria provided, single submitter. Criteria: GeneDx Variant Classification (06012015). Collection method: clinical testing. Allele origin: germline. Affected: yes.
Comment: The G1757E variant has not been published as a pathogenic variant, nor has it been reported as a benign polymorphism to our knowledge. It was not observed in approximately 6,500 individuals of European and African American ancestry in the NHLBI Exome Sequencing Project, indicating it is not a common benign variant in these populations. The G1757E variant is a non-conservative amino acid substitution, which is likely to impact secondary protein structure as these residues differ in polarity, charge, size and/or other properties. This substitution occurs at a position that is conserved across species in the extracellular loop between the S5 and S6 transmembrane segments of the 4th homologous domain. In silico analysis predicts this variant is probably damaging to the protein structure/function. Additionally, missense variants in nearby residues (G1749E; G1754R; C1756G; G1762E) have been reported in the Human Gene Mutation Database in association with SCN1A-related disorders (Stenson et al., 2014), supporting the functional importance of this region of the protein. Therefore, the G1757E variant is a strong candidate for a pathogenic variant, however the possibility that it is a benign variant cannot be excluded.

Literature cited by the submitters: PubMed 27781031 (cited by Labcorp Genetics (formerly Invitae), Labcorp).